The following is an entry in ClinVar:

NM_021942.6(TRAPPC11):c.2270A>G (p.His757Arg)

Genes: TRAPPC11 (trafficking protein particle complex subunit 11; plus strand), LOC126807238 (BRD4-independent group 4 enhancer GRCh37_chr4:184614366-184615565; plus strand). Cytogenetic location: 4q35.1.
Variant type: single nucleotide variant.
Coding change: c.2270A>G on transcript NM_021942.6 (MANE Select); coding-DNA position 2270, A replaced by G.
Protein change: p.His757Arg; replaces histidine 757 with arginine.
Molecular consequence: missense variant.
Genome position (GRCh38, 1-based): chr4:183,693,621, A>G. VCF-style: chr4-183693621-A-G. GRCh37 (hg19) VCF-style: chr4-184614774-A-G.
Other names: c.2270A>G, p.His757Arg (NM_199053.3); c.2270A>G (NM_021942.4); short protein forms H757R.
Identifiers: ClinVar variation 1362167 (VCV001362167.6), dbSNP rs528458079, ClinGen allele CA111858428.

ClinVar aggregate classification (germline): Uncertain significance. Review status: criteria provided, multiple submitters, no conflicts (2 of 4 stars). 2 submissions from 2 submitters: Uncertain significance (2). Last evaluated 2026-01-05.

Conditions:
Inborn genetic diseases. Identifiers: MedGen C0950123, MeSH D030342.
Autosomal recessive limb-girdle muscular dystrophy type R18 (LGMDR18). Also called: Limb-girdle muscular dystrophy, type 2S; MUSCULAR DYSTROPHY, LIMB-GIRDLE, AUTOSOMAL RECESSIVE 18; Autosomal recessive limb-girdle muscular dystrophy type 2S. Identifiers: Orphanet 369840, MedGen C4517996, MONDO:0014144, OMIM 615356.

Allele frequency attached by ClinVar (database versions not stated): gnomAD exomes below 0.00001; gnomAD 0.00001 and 0.00002; TOPMed 0.00001.
gnomAD v4.1: 7 of 1,613,884 alleles (0.00043%); highest among the groups gnomAD compares: Admixed American, 0.0083%; no homozygotes.

Submissions (2):

Labcorp Genetics (formerly Invitae), Labcorp
Classification: Uncertain significance for Autosomal recessive limb-girdle muscular dystrophy type R18. Last evaluated: 2026-01-05. Review status: criteria provided, single submitter. Criteria: Invitae Variant Classification Sherloc (09022015). Collection method: clinical testing. Allele origin: germline.
Comment: This sequence change replaces histidine, which is basic and polar, with arginine, which is basic and polar, at codon 757 of the TRAPPC11 protein (p.His757Arg). This variant is not present in population databases (gnomAD no frequency). This variant has not been reported in the literature in individuals affected with TRAPPC11-related conditions. ClinVar contains an entry for this variant (Variation ID: 1362167). Invitae Evidence Modeling of protein sequence and biophysical properties (such as structural, functional, and spatial information, amino acid conservation, physicochemical variation, residue mobility, and thermodynamic stability) indicates that this missense variant is not expected to disrupt TRAPPC11 protein function with a negative predictive value of 80%. In summary, the available evidence is currently insufficient to determine the role of this variant in disease. Therefore, it has been classified as a Variant of Uncertain Significance.

Ambry Genetics
Classification: Uncertain significance for Inborn genetic diseases. Last evaluated: 2025-04-03. Review status: criteria provided, single submitter. Criteria: Ambry Variant Classification Scheme 2023. Collection method: clinical testing. Allele origin: germline.